The following is an entry in ClinVar:

ClinVar aggregate classification (germline): Uncertain significance (1 of 4 stars; one submission).

Submission:

Labcorp Genetics (formerly Invitae), Labcorp
Classification: Uncertain significance. Last evaluated: 2025-09-30. Review status: criteria provided, single submitter. Criteria: Invitae Variant Classification Sherloc (09022015). Collection method: clinical testing. Allele origin: germline.
Comment: This sequence change replaces arginine, which is basic and polar, with leucine, which is neutral and non-polar, at codon 357 of the PRPF31 protein (p.Arg357Leu). This variant is not present in population databases (gnomAD no frequency). This variant has not been reported in the literature in individuals affected with PRPF31-related conditions. An algorithm developed to predict the effect of missense changes on protein structure and function (PolyPhen-2) suggests that this variant is likely to be disruptive. In summary, the available evidence is currently insufficient to determine the role of this variant in disease. Therefore, it has been classified as a Variant of Uncertain Significance.

NM_015629.4(PRPF31):c.1070G>T (p.Arg357Leu)

Gene: PRPF31 (pre-mRNA processing factor 31; plus strand). Cytogenetic location: 19q13.42.
Variant type: single nucleotide variant.
Coding change: c.1070G>T on transcript NM_015629.4 (MANE Select); coding-DNA position 1070, G replaced by T.
Protein change: p.Arg357Leu; replaces arginine 357 with leucine.
Molecular consequence: missense variant.
Genome position (GRCh38, 1-based): chr19:54,128,197, G>T. VCF-style: chr19-54128197-G-T. GRCh37 (hg19) VCF-style: chr19-54631572-G-T.
Other names: short protein forms R357L.
Identifiers: ClinVar variation 4728181 (VCV004728181.1).
Genomic context (GRCh38, chr19:54,128,197, plus strand): 5'-TGAAGCAGGTGAAGCCGCTGCCTGCGCCCCTGGATGGACAGCGGAAGAAGCGAGGCGGCC[G>T]CAGGTGAGGGGCCCTGGGGGTCCGGTAGGCATGGGGGTCATGGAGGGGAGAAGCCGGCGT-3'
Protein context (NP_056444.3, residues 347-367): LDGQRKKRGG[Arg357Leu]RYRKMKERLG